The following is an entry in ClinVar:

NM_001370259.2(MEN1):c.1224_1225insGTCC (p.Cys409fs)

Gene: MEN1 (menin 1; minus strand). Cytogenetic location: 11q13.1.
Variant type: Insertion.
Coding change: c.1224_1225insGTCC on transcript NM_001370259.2 (MANE Select); coding-DNA positions 1224 to 1225, GTCC inserted.
Protein change: p.Cys409fs; shifts the reading frame from cysteine 409.
Molecular consequence: frameshift variant.
Genome position: GRCh38 VCF-style: chr11-64805159-A-AGGAC. GRCh37 (hg19) VCF-style: chr11-64572631-A-AGGAC.
Other names: c.1119_1120insGTCC, p.Cys374fs (NM_001370262.2, NM_001370263.2); c.1224_1225insGTCC, p.Cys409fs (NM_130799.3, NM_001370260.2, NM_001370261.2); c.1239_1240insGTCC, p.Cys414fs (NM_130800.3, NM_130801.3, NM_130802.3 and 3 more transcripts); c.1350_1351insGTCC, p.Cys451fs (NM_001370251.2); short protein forms C374fs, C409fs, C414fs, C451fs.
Identifiers: ClinVar variation 428066 (VCV000428066.14), dbSNP rs1114167524, ClinGen allele CA645369506.
Genomic context (GRCh38, chr11:64,805,159, plus strand): 5'-TGGGACTGCCCTCCTCCCATTTGCAGATGCCGTCGTAGAATCGCAGCAGGTGGGCGAAGC[A>AGGAC]CTCAGGGTCCTGGAGGGCGGAACCTTGGCTCTGGGTGCCCTGGACGAGGGGGAAGGGAGG-3'

ClinVar aggregate classification (germline): Pathogenic. Review status: criteria provided, multiple submitters, no conflicts (2 of 4 stars). 2 submissions from 2 submitters: Pathogenic (2). Last evaluated 2018-11-15.

Conditions:
Hereditary cancer-predisposing syndrome. Also called: Hereditary neoplastic syndrome; Tumor predisposition; Neoplastic Syndromes, Hereditary; Hereditary Cancer Syndrome. Identifiers: Orphanet 140162, MedGen C0027672, MeSH D009386, MONDO:0015356.
Multiple endocrine neoplasia, type 1 (MEN1). Also called: MEN I; Endocrine adenomatosis multiple; MEN 1; WERMER SYNDROME; MEA I. Identifiers: Orphanet 652, MedGen C0025267, MeSH D018761, MONDO:0007540, OMIM 131100.

Submissions (2):

Labcorp Genetics (formerly Invitae), Labcorp
Classification: Pathogenic for Multiple endocrine neoplasia, type 1. Last evaluated: 2018-11-15. Review status: criteria provided, single submitter. Criteria: Invitae Variant Classification Sherloc (09022015). Collection method: clinical testing. Allele origin: germline.
Comment: This frameshift change truncates the functionally conserved NLS2 domain of the MEN1 protein. Experimental studies have shown that disruption of this region abrogates the ability of MEN1 to bind DNA, regulate target gene expression, and inhibit cell proliferation (PMID: 15331604, 16449969). For these reasons, this variant has been classified as Pathogenic. Several different truncations located downstream of this variant (p.Arg516Profs*15, p.Arg516Glyfs*43, p.Gln554*) have been determined to be pathogenic (PMID: 9215690, 11578300, 15635078, 17879353). This suggests that deletion of this region of the MEN1 protein is causative of disease. This sequence change results in a premature translational stop signal in the MEN1 gene (p.Cys409Valfs*41). While this is not anticipated to result in nonsense mediated decay, it is expected to disrupt the last 202 amino acids of the MEN1 protein. This variant has not been reported in the literature in individuals with MEN1-related disease. ClinVar contains an entry for this variant (Variation ID: 428066). This variant is not present in population databases (ExAC no frequency).

Ambry Genetics
Classification: Pathogenic for Hereditary cancer-predisposing syndrome. Last evaluated: 2015-08-13. Review status: criteria provided, single submitter. Criteria: Ambry Variant Classification Scheme 2023. Collection method: clinical testing. Allele origin: germline.
Comment: The c.1224_1225insGTCC pathogenic mutation, located in coding exon 8 of the MEN1 gene, results from an insertion of 4 nucleotides at position 1224, causing a translational frameshift with a predicted alternate stop codon. Since frameshifts are typically deleterious in nature, this alteration is interpreted as a disease-causing mutation (ACMG Recommendations for Standards for Interpretation and Reporting of Sequence Variations. Revision 2007. Genet Med. 2008;10:294).

Literature cited by the submitters: PubMed 15331604 (cited by Labcorp Genetics (formerly Invitae), Labcorp); PubMed 16449969 (cited by Labcorp Genetics (formerly Invitae), Labcorp); PubMed 9215690 (cited by Labcorp Genetics (formerly Invitae), Labcorp); PubMed 11578300 (cited by Labcorp Genetics (formerly Invitae), Labcorp); PubMed 15635078 (cited by Labcorp Genetics (formerly Invitae), Labcorp); PubMed 17879353 (cited by Labcorp Genetics (formerly Invitae), Labcorp).